The following is an entry in ClinVar:

NM_000038.6(APC):c.6815G>A (p.Arg2272Lys)

Gene: APC (APC regulator of Wnt signaling pathway; plus strand). Cytogenetic location: 5q22.2.
Variant type: single nucleotide variant.
Coding change: c.6815G>A on transcript NM_000038.6 (MANE Select); coding-DNA position 6815, G replaced by A.
Protein change: p.Arg2272Lys; replaces arginine 2272 with lysine.
Molecular consequence: missense variant. On other transcripts: non-coding transcript variant (2).
Genome position (GRCh38, 1-based): chr5:112,842,409, G>A. VCF-style: chr5-112842409-G-A. GRCh37 (hg19) VCF-style: chr5-112178106-G-A.
Other names: c.6815G>A, p.Arg2272Lys (NM_001127510.3, NM_001354895.2, NM_001407450.1); c.6761G>A, p.Arg2254Lys (NM_001127511.3); c.6869G>A, p.Arg2290Lys (NM_001354896.2, NM_001407447.1, NM_001407448.1 and 1 more transcripts); c.6845G>A, p.Arg2282Lys (NM_001354897.2); c.6740G>A, p.Arg2247Lys (NM_001354898.2); c.6731G>A, p.Arg2244Lys (NM_001354899.2); c.6692G>A, p.Arg2231Lys (NM_001354900.2); c.6638G>A, p.Arg2213Lys (NM_001354901.2, NM_001407453.1); and 11 more; short protein forms R2112K, R2171K, R2189K, R2213K, R2282K, R2290K, R2181K, R2231K.
Identifiers: ClinVar variation 2452718 (VCV002452718.3), dbSNP rs2149973894, ClinGen allele CA16036210.

ClinVar aggregate classification (germline): Uncertain significance (1 of 4 stars; one submission).

Conditions:
Hereditary cancer-predisposing syndrome. Also called: Neoplastic Syndromes, Hereditary; Tumor predisposition; Hereditary neoplastic syndrome; Hereditary Cancer Syndrome. Identifiers: Orphanet 140162, MedGen C0027672, MeSH D009386, MONDO:0015356.

Submission:

Ambry Genetics
Classification: Uncertain significance for Hereditary cancer-predisposing syndrome. Last evaluated: 2025-06-24. Review status: criteria provided, single submitter. Criteria: Ambry Variant Classification Scheme 2023. Collection method: clinical testing. Allele origin: germline.
Comment: The p.R2272K variant (also known as c.6815G>A), located in coding exon 15 of the APC gene, results from a G to A substitution at nucleotide position 6815. The arginine at codon 2272 is replaced by lysine, an amino acid with highly similar properties. This amino acid position is highly conserved in available vertebrate species. In addition, in silico predictors for this gene do not accurately predict pathogenicity. Missense alterations in APC are not a common cause of disease (Spier I et al. Genet Med. 2024 Feb;26(2):100992). Based on the available evidence, the clinical significance of this variant remains unclear.